The following is an entry in ClinVar:

ClinVar aggregate classification (germline): Likely benign. Review status: criteria provided, multiple submitters, no conflicts (2 of 4 stars). 3 submissions from 3 submitters: Likely benign (3). Last evaluated 2025-10-01.

Conditions:
Spastic paraplegia. Identifiers: MedGen C0037772, HP:0001258.

Allele frequency attached by ClinVar (database versions not stated): gnomAD 0.00003; TOPMed 0.00003; gnomAD exomes 0.00005 and 0.00006; ExAC 0.00006; ESP Exome Variant Server 0.00023.
gnomAD v4.1: 85 of 1,614,036 alleles (0.0053%); highest among the groups gnomAD compares: South Asian, 0.023%; no homozygotes.

Submissions (3):

CeGaT Center for Human Genetics Tuebingen
Classification: Likely benign. Last evaluated: 2025-10-01. Review status: criteria provided, single submitter. Criteria: CeGaT Center For Human Genetics Tuebingen Variant Classification Criteria Version 2. Collection method: clinical testing. Allele origin: germline. Affected: yes. Observed: 2 variant alleles.
Comment: ZFYVE26: BP4, BP7

Labcorp Genetics (formerly Invitae), Labcorp
Classification: Likely benign for Spastic paraplegia. Last evaluated: 2025-10-01. Review status: criteria provided, single submitter. Criteria: Invitae Variant Classification Sherloc (09022015). Collection method: clinical testing. Allele origin: germline.

Blueprint Genetics
Classification: Likely benign. Last evaluated: 2023-11-09. Review status: criteria provided, single submitter. Criteria: ACMG Guidelines, 2015. Collection method: clinical testing. Allele origin: germline.

NM_015346.4(ZFYVE26):c.6456G>C (p.Gly2152=)

Gene: ZFYVE26 (zinc finger FYVE-type containing 26; minus strand). Cytogenetic location: 14q24.1.
Variant type: single nucleotide variant.
Coding change: c.6456G>C on transcript NM_015346.4 (MANE Select); coding-DNA position 6456, G replaced by C.
Protein change: p.Gly2152=; no amino-acid change (glycine 2152 retained).
Molecular consequence: synonymous variant.
Genome position (GRCh38, 1-based): chr14:67,761,498, C>G on the plus strand (G>C on the coding strand, the complement: ZFYVE26 is on the minus strand). VCF-style: chr14-67761498-C-G. GRCh37 (hg19) VCF-style: chr14-68228215-C-G.
Identifiers: ClinVar variation 696512 (VCV000696512.35), dbSNP rs140345788, ClinGen allele CA7239218.